The following is an entry in ClinVar:

NM_018192.4(P3H2):c.1228C>T (p.Arg410Trp)

Gene: P3H2 (prolyl 3-hydroxylase 2; minus strand). Cytogenetic location: 3q28.
Variant type: single nucleotide variant.
Coding change: c.1228C>T on transcript NM_018192.4 (MANE Select); coding-DNA position 1228, C replaced by T.
Protein change: p.Arg410Trp; replaces arginine 410 with tryptophan.
Molecular consequence: missense variant.
Genome position (GRCh38, 1-based): chr3:189,984,551, G>A on the plus strand (C>T on the coding strand, the complement: P3H2 is on the minus strand). VCF-style: chr3-189984551-G-A. GRCh37 (hg19) VCF-style: chr3-189702340-G-A.
Other names: c.685C>T, p.Arg229Trp (NM_001134418.2); c.1228C>T (NM_018192.3); short protein forms R229W, R410W.
Identifiers: ClinVar variation 1440361 (VCV001440361.10), dbSNP rs1307588537, ClinGen allele CA355756529.

ClinVar aggregate classification (germline): Uncertain significance. Review status: criteria provided, multiple submitters, no conflicts (2 of 4 stars). 2 submissions from 2 submitters: Uncertain significance (2). Last evaluated 2024-08-28.

Conditions:
Inborn genetic diseases. Identifiers: MedGen C0950123, MeSH D030342.

Allele frequency attached by ClinVar (database versions not stated): gnomAD 0.00001; gnomAD exomes 0.00001 and 0.00002; TOPMed 0.00002.
gnomAD v4.1: 21 of 1,610,362 alleles (0.0013%); highest among the groups gnomAD compares: Middle Eastern, 0.016%; no homozygotes.

Submissions (2):

Ambry Genetics
Classification: Uncertain significance for Inborn genetic diseases. Last evaluated: 2024-08-28. Review status: criteria provided, single submitter. Criteria: Ambry Variant Classification Scheme 2023. Collection method: clinical testing. Allele origin: germline.

Labcorp Genetics (formerly Invitae), Labcorp
Classification: Uncertain significance. Last evaluated: 2022-01-13. Review status: criteria provided, single submitter. Criteria: Invitae Variant Classification Sherloc (09022015). Collection method: clinical testing. Allele origin: germline.
Comment: In summary, the available evidence is currently insufficient to determine the role of this variant in disease. Therefore, it has been classified as a Variant of Uncertain Significance. Algorithms developed to predict the effect of missense changes on protein structure and function are either unavailable or do not agree on the potential impact of this missense change (SIFT: "Deleterious"; PolyPhen-2: "Possibly Damaging"; Align-GVGD: "Class C0"). This variant has not been reported in the literature in individuals affected with P3H2-related conditions. This variant is present in population databases (no rsID available, gnomAD 0.007%). This sequence change replaces arginine, which is basic and polar, with tryptophan, which is neutral and slightly polar, at codon 410 of the P3H2 protein (p.Arg410Trp).